The following is an entry in ClinVar:

NM_000059.4(BRCA2):c.1253C>G (p.Ser418Ter)

Gene: BRCA2 (BRCA2 DNA repair associated; plus strand). Cytogenetic location: 13q13.1.
Variant type: single nucleotide variant.
Coding change: c.1253C>G on transcript NM_000059.4 (MANE Select); coding-DNA position 1253, C replaced by G.
Protein change: p.Ser418Ter; replaces serine 418 with a stop codon.
Molecular consequence: nonsense.
Genome position (GRCh38, 1-based): chr13:32,332,731, C>G. VCF-style: chr13-32332731-C-G. GRCh37 (hg19) VCF-style: chr13-32906868-C-G.
Other names: 1481C>G Ser418ter; short protein forms S418*.
Identifiers: ClinVar variation 266620 (VCV000266620.8), dbSNP rs397507266, ClinGen allele CA10589081.
Genomic context (GRCh38, chr13:32,332,731, plus strand): 5'-TAACCCTTTCAGGTCTAAATGGAGCCCAGATGGAGAAAATACCCCTATTGCATATTTCTT[C>G]ATGTGACCAAAATATTTCAGAAAAAGACCTATTAGACACAGAGAACAAAAGAAAGAAAGA-3'

ClinVar aggregate classification (germline): Pathogenic. Review status: reviewed by expert panel (3 of 4 stars). 3 submissions from 3 submitters: Pathogenic (1). 2 of the submissions do not count toward it. Last evaluated 2016-10-18.

Conditions:
Hereditary breast ovarian cancer syndrome. Also called: Hereditary breast and ovarian cancer; Hereditary breast and ovarian cancer syndrome (HBOC); Hereditary breast and/or ovarian cancer syndrome; Breast and ovarian cancer; Hereditary breast and ovarian cancer syndrome; BRCA1- and BRCA2-Associated Hereditary Breast and Ovarian Cancer. Identifiers: Orphanet 145, MedGen C0677776, MeSH D061325, MONDO:0003582. Disease mechanism: loss of function.
Breast-ovarian cancer, familial, susceptibility to, 2 (BROVCA2). Also called: BRCA2 Hereditary Breast and Ovarian Cancer. Identifiers: Orphanet 145, MedGen C2675520, MONDO:0012933, OMIM 612555. Disease mechanism: loss of function.

Submissions (3):

Evidence-based Network for the Interpretation of Germline Mutant Alleles (ENIGMA)
Classification: Pathogenic for Breast-ovarian cancer, familial, susceptibility to, 2. Last evaluated: 2016-10-18. Review status: reviewed by expert panel. Criteria: ENIGMA BRCA1/2 Classification Criteria (2015). Collection method: curation. Allele origin: germline.
Comment: Variant allele predicted to encode a truncated non-functional protein.

Labcorp Genetics (formerly Invitae), Labcorp
Classification: Pathogenic for Hereditary breast ovarian cancer syndrome. Last evaluated: 2022-12-26. Review status: criteria provided, single submitter. Criteria: Invitae Variant Classification Sherloc (09022015). Collection method: clinical testing. Allele origin: germline. Not counted in ClinVar's aggregate classification.
Comment: This variant is not present in population databases (gnomAD no frequency). This sequence change creates a premature translational stop signal (p.Ser418*) in the BRCA2 gene. It is expected to result in an absent or disrupted protein product. Loss-of-function variants in BRCA2 are known to be pathogenic (PMID: 20104584). This premature translational stop signal has been observed in individual(s) with personal and/or family history of breast and ovarian cancer (PMID: 29446198). For these reasons, this variant has been classified as Pathogenic. ClinVar contains an entry for this variant (Variation ID: 266620).

Consortium of Investigators of Modifiers of BRCA1/2 (CIMBA), c/o University of Cambridge
Classification: Pathogenic for Breast-ovarian cancer, familial, susceptibility to, 2. Last evaluated: 2015-10-02. Review status: criteria provided, single submitter. Criteria: CIMBA Mutation Classification guidelines May 2016. Collection method: clinical testing. Allele origin: germline. Not counted in ClinVar's aggregate classification.

Literature cited by the submitters: PubMed 20104584 (cited by Labcorp Genetics (formerly Invitae), Labcorp); PubMed 29446198 (cited by Labcorp Genetics (formerly Invitae), Labcorp).